The following is an entry in ClinVar:

NM_183357.3(ADCY5):c.2377T>C (p.Tyr793His)

Gene: ADCY5 (adenylate cyclase 5; minus strand). Cytogenetic location: 3q21.1.
Variant type: single nucleotide variant.
Coding change: c.2377T>C on transcript NM_183357.3 (MANE Select); coding-DNA position 2377, T replaced by C.
Protein change: p.Tyr793His; replaces tyrosine 793 with histidine.
Molecular consequence: missense variant.
Genome position (GRCh38, 1-based): chr3:123,314,300, A>G on the plus strand (T>C on the coding strand, the complement: ADCY5 is on the minus strand). VCF-style: chr3-123314300-A-G. GRCh37 (hg19) VCF-style: chr3-123033147-A-G.
Other names: c.1327T>C, p.Tyr443His (NM_001199642.1); c.2377T>C, p.Tyr793His (NM_001378259.1); c.2377T>C (NM_183357.2); short protein forms Y443H, Y793H.
Identifiers: ClinVar variation 2903571 (VCV002903571.5), dbSNP rs148493988, ClinGen allele CA2577145.

ClinVar aggregate classification (germline): Conflicting classifications of pathogenicity. Review status: criteria provided, conflicting classifications (1 of 4 stars). 3 submissions from 3 submitters: Uncertain significance (2); Likely benign (1). Last evaluated 2025-04-30.

Conditions:
Inborn genetic diseases. Identifiers: MedGen C0950123, MeSH D030342.

Allele frequency attached by ClinVar (database versions not stated): gnomAD exomes 0.00001; ExAC 0.00005; TOPMed 0.00017; gnomAD 0.00019; ESP Exome Variant Server 0.00031.
gnomAD v4.1: 43 of 1,613,502 alleles (0.0027%); highest among the groups gnomAD compares: African/African-American, 0.039%; no homozygotes.

Submissions (3):

GeneDx
Classification: Uncertain significance. Last evaluated: 2025-04-30. Review status: criteria provided, single submitter. Criteria: GeneDx Variant Classification Process June 2021. Collection method: clinical testing. Allele origin: germline. Affected: yes.
Comment: In silico analysis supports that this missense variant has a deleterious effect on protein structure/function; Has not been previously published as pathogenic or benign to our knowledge

Labcorp Genetics (formerly Invitae), Labcorp
Classification: Likely benign. Last evaluated: 2024-08-21. Review status: criteria provided, single submitter. Criteria: Invitae Variant Classification Sherloc (09022015). Collection method: clinical testing. Allele origin: germline.

Ambry Genetics
Classification: Uncertain significance for Inborn genetic diseases. Last evaluated: 2021-12-15. Review status: criteria provided, single submitter. Criteria: Ambry Variant Classification Scheme 2023. Collection method: clinical testing. Allele origin: germline.